The following is an entry in ClinVar:

NM_001282116.2(RFX3):c.223A>G (p.Thr75Ala)

Gene: RFX3 (regulatory factor X3; minus strand). Cytogenetic location: 9p24.2.
Variant type: single nucleotide variant.
Coding change: c.223A>G on transcript NM_001282116.2 (MANE Select); coding-DNA position 223, A replaced by G.
Protein change: p.Thr75Ala; replaces threonine 75 with alanine.
Molecular consequence: missense variant.
Genome position (GRCh38, 1-based): chr9:3,330,510, T>C on the plus strand (A>G on the coding strand, the complement: RFX3 is on the minus strand). VCF-style: chr9-3330510-T-C. GRCh37 (hg19) VCF-style: chr9-3330510-T-C.
Other names: c.223A>G, p.Thr75Ala (NM_001282117.2, NM_001377999.1, NM_002919.4 and 1 more transcripts); short protein forms T75A.
Identifiers: ClinVar variation 1676453 (VCV001676453.3), dbSNP rs2130885764, ClinGen allele CA372842795.

ClinVar aggregate classification (germline): Uncertain significance (1 of 4 stars; one submission).

gnomAD v4.1: 1 of 1,603,810 alleles (0.000062%); highest among the groups gnomAD compares: Non-Finnish European, 0.000085%; no homozygotes.

Submission:

Greenwood Genetic Center Diagnostic Laboratories, Greenwood Genetic Center
Classification: Uncertain significance. Last evaluated: 2022-02-22. Review status: criteria provided, single submitter. Criteria: ACMG Guidelines, 2015. Collection method: clinical testing. Allele origin: germline. Affected: yes.
Comment: PM2